The following is an entry in ClinVar:

NM_144687.4(NLRP12):c.2207G>T (p.Gly736Val)

Gene: NLRP12 (NLR family pyrin domain containing 12; minus strand). Cytogenetic location: 19q13.42.
Variant type: single nucleotide variant.
Coding change: c.2207G>T on transcript NM_144687.4 (MANE Select); coding-DNA position 2207, G replaced by T.
Protein change: p.Gly736Val; replaces glycine 736 with valine.
Molecular consequence: missense variant.
Genome position (GRCh38, 1-based): chr19:53,807,531, C>A on the plus strand (G>T on the coding strand, the complement: NLRP12 is on the minus strand). VCF-style: chr19-53807531-C-A. GRCh37 (hg19) VCF-style: chr19-54310785-C-A.
Other names: c.2210G>T, p.Gly737Val (NM_001277126.2); c.2207G>T, p.Gly736Val (NM_001277129.1); short protein forms G736V, G737V.
Identifiers: ClinVar variation 4720504 (VCV004720504.1).
Genomic context (GRCh38, chr19:53,807,531, plus strand): 5'-ACGCCCAGACCAGCCTGCACTCACCTCAGGTTCTGAAGTTTGCAGTTGGGGTGTCTGAGT[C>A]CTTGACAGAGCAGCTTCACCCCCCGGCTGCCCAGGGCATTTCGGTACAGAGACAGCTCTA-3'
Protein context (NP_653288.1, residues 726-746): GSRGVKLLCQ[Gly736Val]LRHPNCKLQN

ClinVar aggregate classification (germline): Uncertain significance (1 of 4 stars; one submission).

Conditions:
Familial cold autoinflammatory syndrome 2 (FCAS2). Identifiers: Orphanet 247868, MedGen C2673198, MONDO:0012724, OMIM 611762.

gnomAD v4.1: 1 of 1,614,130 alleles (0.000062%); highest among the groups gnomAD compares: Non-Finnish European, 0.000085%; no homozygotes.

Submission:

Labcorp Genetics (formerly Invitae), Labcorp
Classification: Uncertain significance for Familial cold autoinflammatory syndrome 2. Last evaluated: 2025-05-30. Review status: criteria provided, single submitter. Criteria: Invitae Variant Classification Sherloc (09022015). Collection method: clinical testing. Allele origin: germline.
Comment: This sequence change replaces glycine, which is neutral and non-polar, with valine, which is neutral and non-polar, at codon 736 of the NLRP12 protein (p.Gly736Val). This variant is not present in population databases (gnomAD no frequency). This variant has not been reported in the literature in individuals affected with NLRP12-related conditions. An algorithm developed to predict the effect of missense changes on protein structure and function (PolyPhen-2) suggests that this variant is likely to be disruptive. In summary, the available evidence is currently insufficient to determine the role of this variant in disease. Therefore, it has been classified as a Variant of Uncertain Significance.